The following is an entry in ClinVar:

ClinVar aggregate classification (germline): Benign. Review status: criteria provided, multiple submitters, no conflicts (2 of 4 stars). 4 submissions from 4 submitters: Benign (4). Last evaluated 2024-07-15.

Conditions:
Developmental and epileptic encephalopathy, 77. Also called: GLYCOSYLPHOSPHATIDYLINOSITOL BIOSYNTHESIS DEFECT 19; MULTIPLE CONGENITAL ANOMALIES-HYPOTONIA-SEIZURES SYNDROME 4; EPILEPTIC ENCEPHALOPATHY, EARLY INFANTILE, 77. Identifiers: MedGen C5231405, MONDO:0032808, OMIM 618548.

Allele frequency attached by ClinVar (database versions not stated): ESP Exome Variant Server 0.40174; gnomAD exomes 0.40921 and 0.46613; gnomAD 0.44947 and 0.45807; TOPMed 0.44948; ExAC 0.51627; 1000 Genomes Project 30x 0.52436; 1000 Genomes Project 0.52895.
gnomAD v4.1: 544,286 of 1,312,232 alleles (41%); highest among the groups gnomAD compares: East Asian, 66%; 118,405 homozygotes.

Submissions (4):

Unidad de Genómica Garrahan, Hospital de Pediatría Garrahan
Classification: Benign. Last evaluated: 2024-07-15. Review status: criteria provided, single submitter. Criteria: ACMG Guidelines, 2015. Collection method: clinical testing. Allele origin: germline. Affected: no. Observed: 56 variant alleles.
Comment: This variant is classified as Benign based on local population frequency. This variant was detected in 60% of patients studied in a panel designed for Epileptic and Developmental Encephalopathy and Progressive Myoclonus Epilepsy. Number of patients: 56. Only high quality variants are reported.

Genome-Nilou Lab
Classification: Benign for Developmental and epileptic encephalopathy, 77. Last evaluated: 2021-07-14. Review status: criteria provided, single submitter. Criteria: ACMG Guidelines, 2015. Collection method: clinical testing. Allele origin: germline. Affected: no.

GeneDx
Classification: Benign. Last evaluated: 2021-05-14. Review status: criteria provided, single submitter. Criteria: GeneDx Variant Classification Process June 2021. Collection method: clinical testing. Allele origin: germline. Affected: yes.

Breakthrough Genomics
Classification: Benign. Review status: criteria provided, single submitter. Criteria: ACMG Guidelines, 2015. Collection method: not provided. Allele origin: germline. Inheritance: Autosomal recessive inheritance. Affected: yes.

NM_004204.5(PIGQ):c.1532-50T>A

Gene: PIGQ (phosphatidylinositol glycan anchor biosynthesis class Q; plus strand). Cytogenetic location: 16p13.3.
Variant type: single nucleotide variant.
Coding change: c.1532-50T>A on transcript NM_004204.5 (MANE Select); 50 bases into the intron before coding-DNA position 1532, T replaced by A.
Molecular consequence: intron variant.
Genome position (GRCh38, 1-based): chr16:582,198, T>A. VCF-style: chr16-582198-T-A. GRCh37 (hg19) VCF-style: chr16-632198-T-A.
Other names: c.1532-685T>A (NM_148920.4).
Identifiers: ClinVar variation 1185304 (VCV001185304.7), dbSNP rs916416, ClinGen allele CA7780397.